The following is an entry in ClinVar:

ClinVar aggregate classification (germline): Uncertain significance (1 of 4 stars; one submission).

Conditions:
FLT1-related disorder. Also called: FLT1-related condition.

Submission:

PreventionGenetics, part of Exact Sciences
Classification: Uncertain significance for FLT1-related condition. Last evaluated: 2025-12-10. Review status: criteria provided, single submitter. Criteria: ACMG Guidelines, 2015. Collection method: clinical testing. Allele origin: germline.
Comment: The FLT1 c.964G>A variant is predicted to result in the amino acid substitution p.Val322Ile. To our knowledge, this variant has not been reported in the literature. This variant is reported in 0.00088% of alleles in individuals of European (Non-Finnish) descent in gnomAD. At this time, the clinical significance of this variant is uncertain due to the absence of conclusive functional and genetic evidence.

NM_002019.4(FLT1):c.964G>A (p.Val322Ile)

Gene: FLT1 (fms related receptor tyrosine kinase 1; minus strand). Cytogenetic location: 13q12.3.
Variant type: single nucleotide variant.
Coding change: c.964G>A on transcript NM_002019.4 (MANE Select); coding-DNA position 964, G replaced by A.
Protein change: p.Val322Ile; replaces valine 322 with isoleucine.
Molecular consequence: missense variant.
Genome position (GRCh38, 1-based): chr13:28,431,160, C>T on the plus strand (G>A on the coding strand, the complement: FLT1 is on the minus strand). VCF-style: chr13-28431160-C-T. GRCh37 (hg19) VCF-style: chr13-29005297-C-T.
Other names: c.964G>A, p.Val322Ile (NM_001159920.2, NM_001160030.2, NM_001160031.1); short protein forms V322I.
Identifiers: ClinVar variation 4978013 (VCV004978013.1).
Genomic context (GRCh38, chr13:28,431,160, plus strand): 5'-GCATAGCATGAGTTGGCAACGCTGAACTATGCTTACCATATATATGCACTGAGGTGTTAA[C>T]AGATTTGAATGATGGTCCACTCCTTACACGACAAGTATAAAGTCCTTTGTCTTTGTTCTG-3'
Protein context (NP_002010.2, residues 312-332): RVRSGPSFKS[Val322Ile]NTSVHIYDKA